The following is an entry in ClinVar:

ClinVar aggregate classification (germline): Pathogenic (1 of 4 stars; one submission).

Conditions:
Tuberous sclerosis 1 (TSC1). Identifiers: Orphanet 805, MedGen C1854465, MONDO:0008612, OMIM 191100.

Submission:

Labcorp Genetics (formerly Invitae), Labcorp
Classification: Pathogenic for Tuberous sclerosis 1. Last evaluated: 2024-02-04. Review status: criteria provided, single submitter. Criteria: Invitae Variant Classification Sherloc (09022015). Collection method: clinical testing. Allele origin: germline.
Comment: This sequence change creates a premature translational stop signal (p.Gln145Hisfs*22) in the TSC1 gene. It is expected to result in an absent or disrupted protein product. Loss-of-function variants in TSC1 are known to be pathogenic (PMID: 10227394, 17304050). This variant is not present in population databases (gnomAD no frequency). This variant has not been reported in the literature in individuals affected with TSC1-related conditions. For these reasons, this variant has been classified as Pathogenic.

Literature cited by the submitters: PubMed 10227394; PubMed 17304050.

NM_000368.5(TSC1):c.435del (p.Gln145fs)

Gene: TSC1 (TSC complex subunit 1; minus strand). Cytogenetic location: 9q34.13.
Variant type: Deletion.
Coding change: c.435del on transcript NM_000368.5 (MANE Select); coding-DNA position 435, one base deleted (G; older notation c.435delG).
Protein change: p.Gln145fs; shifts the reading frame from glutamine 145.
Molecular consequence: frameshift variant. On other transcripts: 5 prime UTR variant (5), non-coding transcript variant (5).
Genome position (GRCh38, 1-based): chr9:132,923,421, C deleted on the plus strand (G on the coding strand, the reverse complement: TSC1 is on the minus strand). VCF-style (leftmost placement, unchanged base first): chr9-132923420-AC-A. GRCh37 (hg19) VCF-style: chr9-135798807-AC-A.
Other names: c.282del, p.Gln94fs (NM_001162427.2, NM_001406610.1, NM_001406611.1 and 2 more transcripts); c.72del, p.Gln24fs (NM_001362177.2, NM_001406614.1, NM_001406615.1 and 10 more transcripts); c.435del, p.Gln145fs (NM_001406592.1, NM_001406593.1, NM_001406594.1 and 16 more transcripts); c.-443del (NM_001406626.1, NM_001406627.1, NM_001406628.1); c.-585del (NM_001406629.1); c.-659del (NM_001406630.1); short protein forms Q24fs, Q94fs, Q145fs.
Identifiers: ClinVar variation 3638790 (VCV003638790.2).